The following is an entry in ClinVar:

NM_001042492.3(NF1):c.2774T>A (p.Leu925Ter)

Gene: NF1 (neurofibromin 1; plus strand). Cytogenetic location: 17q11.2.
Variant type: single nucleotide variant.
Coding change: c.2774T>A on transcript NM_001042492.3 (MANE Select); coding-DNA position 2774, T replaced by A.
Protein change: p.Leu925Ter; replaces leucine 925 with a stop codon.
Molecular consequence: nonsense.
Genome position (GRCh38, 1-based): chr17:31,229,389, T>A. VCF-style: chr17-31229389-T-A. GRCh37 (hg19) VCF-style: chr17-29556407-T-A.
Other names: c.2774T>A, p.Leu925Ter (NM_000267.4); short protein forms L925*.
Identifiers: ClinVar variation 965045 (VCV000965045.6), dbSNP rs2067073241, ClinGen allele CA398985508.

ClinVar aggregate classification (germline): Pathogenic (1 of 4 stars; one submission).

Conditions:
Neurofibromatosis, type 1 (NF1). Also called: Neurofibromatosis, type I; Peripheral type neurofibromatosis; VON RECKLINGHAUSEN DISEASE; NEUROFIBROMATOSIS, TYPE I, SOMATIC. Identifiers: Orphanet 636, MedGen C0027831, MONDO:0018975, OMIM 162200. Disease mechanism: loss of function.

Submission:

Labcorp Genetics (formerly Invitae), Labcorp
Classification: Pathogenic for Neurofibromatosis, type 1. Last evaluated: 2019-10-10. Review status: criteria provided, single submitter. Criteria: Invitae Variant Classification Sherloc (09022015). Collection method: clinical testing. Allele origin: germline.
Comment: For these reasons, this variant has been classified as Pathogenic. Loss-of-function variants in NF1 are known to be pathogenic (PMID: 10712197, 23913538). This variant has not been reported in the literature in individuals with NF1-related conditions. This variant is not present in population databases (ExAC no frequency). This sequence change creates a premature translational stop signal (p.Leu925*) in the NF1 gene. It is expected to result in an absent or disrupted protein product.

Literature cited by the submitters: PubMed 10712197; PubMed 23913538.